The following is an entry in ClinVar:

ClinVar aggregate classification (germline): Likely benign (1 of 4 stars; one submission).

gnomAD v4.1: 36 of 1,613,854 alleles (0.0022%); highest among the groups gnomAD compares: Middle Eastern, 0.033%; no homozygotes.

Submission:

CeGaT Center for Human Genetics Tuebingen
Classification: Likely benign. Last evaluated: 2026-09-01. Review status: criteria provided, single submitter. Criteria: CeGaT Center For Human Genetics Tuebingen Variant Classification Criteria Version 2. Collection method: clinical testing. Allele origin: germline. Affected: yes. Observed: 1 variant allele.
Comment: USP8: BP4, BP7

NM_005154.5(USP8):c.3234A>G (p.Gln1078=)

Genes: USP50 (ubiquitin specific peptidase 50; minus strand), USP8 (ubiquitin specific peptidase 8; plus strand). Cytogenetic location: 15q21.2.
Variant type: single nucleotide variant.
Coding change: c.3234A>G on transcript NM_005154.5 (MANE Select); coding-DNA position 3234, A replaced by G.
Protein change: p.Gln1078=; no amino-acid change (glutamine 1078 retained).
Molecular consequence: synonymous variant.
Genome position (GRCh38, 1-based): chr15:50,498,965, A>G. VCF-style: chr15-50498965-A-G. GRCh37 (hg19) VCF-style: chr15-50791162-A-G.
Other names: c.3234A>G, p.Gln1078= (NM_001128610.3); c.2916A>G, p.Gln972= (NM_001283049.2).
Identifiers: ClinVar variation 5038760 (VCV005038760.1).